The following is an entry in ClinVar:

ClinVar aggregate classification (germline): Pathogenic (1 of 4 stars; one submission).

Conditions:
Nemaline myopathy 2 (NEM2). Also called: Nemaline myopathy 2, autosomal recessive. Identifiers: MedGen C1850569, MONDO:0009725, OMIM 256030.

Allele frequency attached by ClinVar (database versions not stated): gnomAD exomes below 0.00001.
gnomAD v4.1: 1 of 947,766 alleles (0.00011%); highest among the groups gnomAD compares: African/African-American, 0.0015%; no homozygotes.

Submission:

Labcorp Genetics (formerly Invitae), Labcorp
Classification: Pathogenic for Nemaline myopathy 2. Last evaluated: 2023-12-25. Review status: criteria provided, single submitter. Criteria: Invitae Variant Classification Sherloc (09022015). Collection method: clinical testing. Allele origin: germline.
Comment: This variant occurs in a region of NEB (Exons 82-105) consisting of three highly homologous 8-exon repeat units (exons 82-89, exons 90-97, exons 98-105). Sequence variants in this region can be detected, but this assay cannot determine which of the three repeat units is affected, and zygosity is often ambiguous. All variants in this region are reported relative to the exon 82-89 repeat. This sequence change creates a premature translational stop signal (p.Gln4225*) in the NEB gene. It is expected to result in an absent or disrupted protein product. Loss-of-function variants in NEB are known to be pathogenic (PMID: 25205138). The frequency data for this variant in the population databases (gnomAD) is considered unreliable due to the presence of homologous sequence, such as pseudogenes or paralogs, in the genome. This variant has not been reported in the literature in individuals affected with NEB-related conditions. For these reasons, this variant has been classified as Pathogenic.

Literature cited by the submitters: PubMed 25205138.

NM_001164508.2(NEB):c.12673C>T (p.Gln4225Ter)

Gene: NEB (nebulin; minus strand). Cytogenetic location: 2q23.3.
Variant type: single nucleotide variant.
Coding change: c.12673C>T on transcript NM_001164508.2 (MANE Select); coding-DNA position 12673, C replaced by T.
Protein change: p.Gln4225Ter; replaces glutamine 4225 with a stop codon.
Molecular consequence: nonsense. On other transcripts: intron variant (1).
Genome position (GRCh38, 1-based): chr2:151,606,680, G>A on the plus strand (C>T on the coding strand, the complement: NEB is on the minus strand). VCF-style: chr2-151606680-G-A. GRCh37 (hg19) VCF-style: chr2-152463194-G-A.
Other names: c.12673C>T, p.Gln4225Ter (NM_001164507.2, NM_001271208.2); c.11601+3129C>T (NM_004543.5); short protein forms Q4225*.
Identifiers: ClinVar variation 2751330 (VCV002751330.3), dbSNP rs2552225140, ClinGen allele CA348774517.
Genomic context (GRCh38, chr2:151,606,680, plus strand): 5'-CTCTGGAGGCCTTGGCGTGCTTGATTTCAATGGCATCTGCCCTTATGTCATAGCCTTTCT[G>A]CTTGGCGTCATTCCAGTCTTTTTGGTAGAGTTTCTATAGAGGGAAAATAAAGGTTTGTTT-3'